The following is an entry in ClinVar:

ClinVar aggregate classification (germline): Uncertain significance (1 of 4 stars; one submission).

Conditions:
Severe early-onset pulmonary alveolar proteinosis due to MARS deficiency. Also called: PULMONARY ALVEOLAR PROTEINOSIS, REUNION ISLAND; Interstitial lung and liver disease. Identifiers: Orphanet 440427, MedGen C4225400, MONDO:0014206, OMIM 615486.
Charcot-Marie-Tooth disease axonal type 2U. Also called: CHARCOT-MARIE-TOOTH NEUROPATHY, TYPE 2U; CHARCOT-MARIE-TOOTH DISEASE, AXONAL, AUTOSOMAL DOMINANT, TYPE 2U. Identifiers: Orphanet 397735, MedGen C4084821, MONDO:0014566, OMIM 616280.

Submission:

Labcorp Genetics (formerly Invitae), Labcorp
Classification: Uncertain significance for Charcot-Marie-Tooth disease axonal type 2U; Severe early-onset pulmonary alveolar proteinosis due to MARS deficiency. Last evaluated: 2021-12-27. Review status: criteria provided, single submitter. Criteria: Invitae Variant Classification Sherloc (09022015). Collection method: clinical testing. Allele origin: germline.
Comment: This variant has not been reported in the literature in individuals affected with MARS-related conditions. Algorithms developed to predict the effect of missense changes on protein structure and function (SIFT, PolyPhen-2, Align-GVGD) all suggest that this variant is likely to be tolerated. In summary, the available evidence is currently insufficient to determine the role of this variant in disease. Therefore, it has been classified as a Variant of Uncertain Significance. This sequence change replaces aspartic acid, which is acidic and polar, with alanine, which is neutral and non-polar, at codon 847 of the MARS protein (p.Asp847Ala). This variant is not present in population databases (gnomAD no frequency).

NM_004990.4(MARS1):c.2540A>C (p.Asp847Ala)

Gene: MARS1 (methionyl-tRNA synthetase 1; plus strand). Cytogenetic location: 12q13.3.
Variant type: single nucleotide variant.
Coding change: c.2540A>C on transcript NM_004990.4 (MANE Select); coding-DNA position 2540, A replaced by C.
Protein change: p.Asp847Ala; replaces aspartic acid 847 with alanine.
Molecular consequence: missense variant.
Genome position (GRCh38, 1-based): chr12:57,516,321, A>C. VCF-style: chr12-57516321-A-C. GRCh37 (hg19) VCF-style: chr12-57910104-A-C.
Other names: short protein forms D847A.
Identifiers: ClinVar variation 2136986 (VCV002136986.4), dbSNP rs2540322952, ClinGen allele CA385468300.
Genomic context (GRCh38, chr12:57,516,321, plus strand): 5'-AGCCAGCAGTTGTAGAGACTGTTACAACAGCCAAGCCACAGCAGATACAAGCGCTGATGG[A>C]TGAAGTGACAAAACAAGTATGAAGCTTAAGCCCTGTGGGAGACTGGACAAGCTGAATCCT-3'
Protein context (NP_004981.2, residues 837-857): AKPQQIQALM[Asp847Ala]EVTKQGNIVR